The following is an entry in ClinVar:

ClinVar aggregate classification (germline): Benign (1 of 4 stars; one submission).

Allele frequency attached by ClinVar (database versions not stated): 1000 Genomes Project 0.56569; 1000 Genomes Project 30x 0.56918; gnomAD 0.57398 and 0.57434; TOPMed 0.57821.
gnomAD v4.1: 87,266 of 151,892 alleles (57%); highest among the groups gnomAD compares: East Asian, 62%; 25,216 homozygotes.

Submission:

GeneDx
Classification: Benign. Last evaluated: 2018-06-19. Review status: criteria provided, single submitter. Criteria: GeneDx Variant Classification (06012015). Collection method: clinical testing. Allele origin: germline. Affected: yes.
Comment: This variant is considered likely benign or benign based on one or more of the following criteria: it is a conservative change, it occurs at a poorly conserved position in the protein, it is predicted to be benign by multiple in silico algorithms, and/or has population frequency not consistent with disease.

NM_182961.4(SYNE1):c.10927-258G>A

Gene: SYNE1 (spectrin repeat containing nuclear envelope protein 1; minus strand). Cytogenetic location: 6q25.2.
Variant type: single nucleotide variant.
Coding change: c.10927-258G>A on transcript NM_182961.4 (MANE Select); 258 bases into the intron before coding-DNA position 10927, G replaced by A.
Molecular consequence: intron variant.
Genome position (GRCh38, 1-based): chr6:152,354,002, C>T on the plus strand (G>A on the coding strand, the complement: SYNE1 is on the minus strand). VCF-style: chr6-152354002-C-T. GRCh37 (hg19) VCF-style: chr6-152675137-C-T.
Other names: c.10882-258G>A (NM_033071.5).
Identifiers: ClinVar variation 683935 (VCV000683935.1), dbSNP rs6921495, ClinGen allele CA12253569.